The following is an entry in ClinVar:

ClinVar aggregate classification (germline): Uncertain significance (1 of 4 stars; one submission).

Conditions:
Muscular dystrophy-dystroglycanopathy (congenital with brain and eye anomalies), type a, 8 (MDDGA8). Also called: WALKER-WARBURG SYNDROME OR MUSCLE-EYE-BRAIN DISEASE, GTDC2-RELATED. Identifiers: Orphanet 899, MedGen C3553813, MONDO:0013904, OMIM 614830.

Allele frequency attached by ClinVar (database versions not stated): ExAC 0.00002; gnomAD exomes 0.00002; TOPMed 0.00002.

Submission:

Labcorp Genetics (formerly Invitae), Labcorp
Classification: Uncertain significance for Muscular dystrophy-dystroglycanopathy (congenital with brain and eye anomalies), type a, 8. Last evaluated: 2024-12-08. Review status: criteria provided, single submitter. Criteria: Invitae Variant Classification Sherloc (09022015). Collection method: clinical testing. Allele origin: germline.
Comment: This sequence change replaces isoleucine, which is neutral and non-polar, with valine, which is neutral and non-polar, at codon 257 of the POMGNT2 protein (p.Ile257Val). This variant is present in population databases (rs768145034, gnomAD 0.03%). This variant has not been reported in the literature in individuals affected with POMGNT2-related conditions. ClinVar contains an entry for this variant (Variation ID: 1921449). Invitae Evidence Modeling of protein sequence and biophysical properties (such as structural, functional, and spatial information, amino acid conservation, physicochemical variation, residue mobility, and thermodynamic stability) indicates that this missense variant is not expected to disrupt POMGNT2 protein function with a negative predictive value of 80%. In summary, the available evidence is currently insufficient to determine the role of this variant in disease. Therefore, it has been classified as a Variant of Uncertain Significance.

NM_032806.6(POMGNT2):c.769A>G (p.Ile257Val)

Gene: POMGNT2 (protein O-linked mannose N-acetylglucosaminyltransferase 2 (beta 1,4-); minus strand). Cytogenetic location: 3p22.1.
Variant type: single nucleotide variant.
Coding change: c.769A>G on transcript NM_032806.6 (MANE Select); coding-DNA position 769, A replaced by G.
Protein change: p.Ile257Val; replaces isoleucine 257 with valine.
Molecular consequence: missense variant.
Genome position (GRCh38, 1-based): chr3:43,080,663, T>C on the plus strand (A>G on the coding strand, the complement: POMGNT2 is on the minus strand). VCF-style: chr3-43080663-T-C. GRCh37 (hg19) VCF-style: chr3-43122155-T-C.
Other names: short protein forms I257V.
Identifiers: ClinVar variation 1921449 (VCV001921449.5), dbSNP rs768145034, ClinGen allele CA2339999.